The following is an entry in ClinVar:

NM_173660.5(DOK7):c.1277C>T (p.Pro426Leu)

Gene: DOK7 (docking protein 7; plus strand). Cytogenetic location: 4p16.3.
Variant type: single nucleotide variant.
Coding change: c.1277C>T on transcript NM_173660.5 (MANE Select); coding-DNA position 1277, C replaced by T.
Protein change: p.Pro426Leu; replaces proline 426 with leucine.
Molecular consequence: missense variant. On other transcripts: 3 prime UTR variant (1).
Genome position (GRCh38, 1-based): chr4:3,493,263, C>T. VCF-style: chr4-3493263-C-T. GRCh37 (hg19) VCF-style: chr4-3494990-C-T.
Other names: c.*498C>T (NM_001164673.2); c.347C>T, p.Pro116Leu (NM_001256896.2); c.1277C>T, p.Pro426Leu (NM_001301071.2); c.845C>T, p.Pro282Leu (NM_001363811.2); short protein forms P116L, P426L, P282L.
Identifiers: ClinVar variation 2039205 (VCV002039205.1), dbSNP rs755360053, ClinGen allele CA2829443.
Genomic context (GRCh38, chr4:3,493,263, plus strand): 5'-ACACACCACGCAGCCTTTGCCTGGCTCCTAGAGACCACAGCCCCCCCTCACAGGGCAGCC[C>T]CGGCAACAGTGCGGCCAGGGACTCAGGCGGCCAGACGTCCGCCGGGTGTCCCTCTGGCTG-3'
Protein context (NP_775931.3, residues 416-436): RDHSPPSQGS[Pro426Leu]GNSAARDSGG

ClinVar aggregate classification (germline): Uncertain significance (1 of 4 stars; one submission).

Conditions:
Fetal akinesia deformation sequence 1 (FADS1). Also called: Fetal akinesia sequence; Pena-Shokeir syndrome type I. Identifiers: Orphanet 994, MedGen C1276035, MONDO:0100101, OMIM 208150, HP:0001989.
Congenital myasthenic syndrome 10. Also called: Myasthenia, limb-girdle, familial. Identifiers: Orphanet 590, MedGen C1850792, MONDO:0009690, OMIM 254300.

Allele frequency attached by ClinVar (database versions not stated): ExAC 0.00001; gnomAD 0.00002; TOPMed 0.00002; gnomAD exomes 0.00004.
gnomAD v4.1: 56 of 1,611,510 alleles (0.0035%); highest among the groups gnomAD compares: Non-Finnish European, 0.0044%; no homozygotes.

Submission:

Labcorp Genetics (formerly Invitae), Labcorp
Classification: Uncertain significance for Congenital myasthenic syndrome 10; Fetal akinesia deformation sequence 1. Last evaluated: 2022-04-11. Review status: criteria provided, single submitter. Criteria: Invitae Variant Classification Sherloc (09022015). Collection method: clinical testing. Allele origin: germline.
Comment: This sequence change replaces proline, which is neutral and non-polar, with leucine, which is neutral and non-polar, at codon 426 of the DOK7 protein (p.Pro426Leu). The frequency data for this variant in the population databases is considered unreliable, as metrics indicate poor data quality at this position in the gnomAD database. This variant has not been reported in the literature in individuals affected with DOK7-related conditions. Algorithms developed to predict the effect of missense changes on protein structure and function output the following: SIFT: "Tolerated"; PolyPhen-2: "Benign"; Align-GVGD: "Class C0". The leucine amino acid residue is found in multiple mammalian species, which suggests that this missense change does not adversely affect protein function. In summary, the available evidence is currently insufficient to determine the role of this variant in disease. Therefore, it has been classified as a Variant of Uncertain Significance.